The following is an entry in ClinVar:

ClinVar aggregate classification (germline): Likely benign (1 of 4 stars; one submission).

Submission:

CeGaT Center for Human Genetics Tuebingen
Classification: Likely benign. Last evaluated: 2024-10-01. Review status: criteria provided, single submitter. Criteria: CeGaT Center For Human Genetics Tuebingen Variant Classification Criteria Version 2. Collection method: clinical testing. Allele origin: germline. Affected: yes. Observed: 1 variant allele.
Comment: TREX1: PM2:Supporting, BP4, BP7

NM_033629.6(TREX1):c.780T>C (p.Thr260=)

Genes: ATRIP (ATR interacting protein; plus strand), ATRIP-TREX1 (ATRIP-TREX1 readthrough; plus strand), TREX1 (three prime repair exonuclease 1; plus strand). Cytogenetic location: 3p21.31.
Variant type: single nucleotide variant.
Coding change: c.780T>C on transcript NM_033629.6 (MANE Select); coding-DNA position 780, T replaced by C.
Protein change: p.Thr260=; no amino-acid change (threonine 260 retained).
Molecular consequence: synonymous variant. On other transcripts: non-coding transcript variant (1), 3 prime UTR variant (4).
Genome position (GRCh38, 1-based): chr3:48,467,435, T>C. VCF-style: chr3-48467435-T-C. GRCh37 (hg19) VCF-style: chr3-48508834-T-C.
Other names: c.750T>C, p.Thr250= (NM_007248.5); c.*1881T>C (NM_001271022.2, NM_001271023.2, NM_032166.4 and 1 more transcripts).
Identifiers: ClinVar variation 3389987 (VCV003389987.14).
Genomic context (GRCh38, chr3:48,467,435, plus strand): 5'-GACCAAGCCAAGACCATCTGCTGTCACAACCACTGCACACCTGGCCACAACCAGGAACAC[T>C]AGTCCCAGCCTTGGAGAGAGCAGGGGTACCAAGGATCTTCCTCCAGTGAAGGACCCTGGA-3'
Protein context (NP_338599.1, residues 250-270): TTAHLATTRN[Thr260=]SPSLGESRGT